The following is an entry in ClinVar:

NM_002303.6(LEPR):c.666C>G (p.Phe222Leu)

Gene: LEPR (leptin receptor; plus strand). Cytogenetic location: 1p31.3.
Variant type: single nucleotide variant.
Coding change: c.666C>G on transcript NM_002303.6 (MANE Select); coding-DNA position 666, C replaced by G.
Protein change: p.Phe222Leu; replaces phenylalanine 222 with leucine.
Molecular consequence: missense variant.
Genome position (GRCh38, 1-based): chr1:65,592,828, C>G. VCF-style: chr1-65592828-C-G. GRCh37 (hg19) VCF-style: chr1-66058511-C-G.
Other names: c.666C>G, p.Phe222Leu (NM_001003679.3, NM_001003680.3, NM_001198687.2 and 2 more transcripts); short protein forms F222L.
Identifiers: ClinVar variation 297988 (VCV000297988.10), dbSNP rs886046503, ClinGen allele CA10611392.
Genomic context (GRCh38, chr1:65,592,828, plus strand): 5'-AGCCAAACTCAACGACACTCTCCTTATGTGTTTGAAAATCACATCTGGTGGAGTAATTTT[C>G]CAGTCACCTCTAATGTCAGTTCAGCCCATAAATATGGGTAAGTTATGCACTAAAATGATG-3'
Protein context (NP_002294.2, residues 212-232): CLKITSGGVI[Phe222Leu]QSPLMSVQPI

ClinVar aggregate classification (germline): Uncertain significance. Review status: criteria provided, multiple submitters, no conflicts (2 of 4 stars). 2 submissions from 2 submitters: Uncertain significance (2). Last evaluated 2026-04-10.

Conditions:
LEPR-related disorder. Also called: LEPR-related condition; LEPR-related disorders.
Inborn genetic diseases. Identifiers: MedGen C0950123, MeSH D030342.

Allele frequency attached by ClinVar (database versions not stated): gnomAD 0.00001; gnomAD exomes 0.00001 and 0.00002; TOPMed 0.00005.
gnomAD v4.1: 10 of 1,613,096 alleles (0.00062%); highest among the groups gnomAD compares: Admixed American, 0.015%; no homozygotes.

Submissions (2):

PreventionGenetics, part of Exact Sciences
Classification: Uncertain significance for LEPR-related condition. Last evaluated: 2026-04-10. Review status: criteria provided, single submitter. Criteria: ACMG Guidelines, 2015. Collection method: clinical testing. Allele origin: germline.
Comment: The LEPR c.666C>G variant is predicted to result in the amino acid substitution p.Phe222Leu. This variant was observed in a cohort of individuals with obesity, and in vitro functional studies showed that this variant created a gain of function (Supplemental Data Set, Shah et al. 2023. PubMed ID: 36864747). Of note, functional studies analyzing other variants impacting the same amino (p.Phe222Ser, p.Phe222Cys, p.Phe222Ile, p.Phe222Tyr, p.Phe222Val) showed function similar to wild-type levels (Supplemental Data Set, Shah et al. 2023. PubMed ID: 36864747). This variant is reported in 0.014% of alleles in individuals of Latino descent in gnomAD. At this time, the clinical significance of this variant is uncertain due to the absence of conclusive functional and genetic evidence.

Ambry Genetics
Classification: Uncertain significance for Inborn genetic diseases. Last evaluated: 2022-04-25. Review status: criteria provided, single submitter. Criteria: Ambry Variant Classification Scheme 2023. Collection method: clinical testing. Allele origin: germline.